The following is an entry in ClinVar:

NM_006231.4(POLE):c.21_24dup (p.Arg9fs)

Genes: POLE (DNA polymerase epsilon, catalytic subunit; minus strand), LOC130009266 (ATAC-STARR-seq lymphoblastoid silent region 5123; plus strand). Cytogenetic location: 12q24.33.
Variant type: Microsatellite.
Coding change: c.21_24dup on transcript NM_006231.4 (MANE Select); coding-DNA positions 21 to 24, 4 bases duplicated (GCGG; older notation c.21_24dupGCGG).
Protein change: p.Arg9fs; shifts the reading frame from arginine 9.
Molecular consequence: frameshift variant.
Genome position (GRCh38, 1-based): chr12:132,687,292-132,687,295, CCGC duplicated on the plus strand (GCGG on the coding strand, the reverse complement: POLE is on the minus strand); duplicating any 4 consecutive bases within chr12:132,687,292-132,687,300 gives the same sequence; the c. name uses the placement nearest the transcript's 3' end. VCF-style (leftmost placement, unchanged base first): chr12-132687291-G-GCCGC. GRCh37 (hg19) VCF-style: chr12-133263877-G-GCCGC.
Other names: short protein forms R9fs.
Identifiers: ClinVar variation 820718 (VCV000820718.8), dbSNP rs1593099111, ClinGen allele CA915946785.
Genomic context (GRCh38, chr12:132,687,291, plus strand): 5'-AGCCTCAGGAGGGCGCCCCTCACCTGCTGGCCTCGCCATCCGCGCCTGGGTCCGCGCGCC[G>GCCGC]CCGCCCGCCGCTCCTCAGAGACATGGAGCCGTTGGCTACCACCTCTGCTTCAGGGGAGAA-3'

ClinVar aggregate classification (germline): Conflicting classifications of pathogenicity. Review status: criteria provided, conflicting classifications (1 of 4 stars). 2 submissions from 2 submitters: Pathogenic (1); Uncertain significance (1). Last evaluated 2026-01-13.

Conditions:
Hereditary cancer-predisposing syndrome. Also called: Tumor predisposition; Neoplastic Syndromes, Hereditary; Hereditary Cancer Syndrome; Hereditary neoplastic syndrome. Identifiers: Orphanet 140162, MedGen C0027672, MeSH D009386, MONDO:0015356.

Submissions (2):

Ambry Genetics
Classification: Uncertain significance for Hereditary cancer-predisposing syndrome. Last evaluated: 2026-01-13. Review status: criteria provided, single submitter. Criteria: Ambry Variant Classification Scheme 2023. Collection method: clinical testing. Allele origin: germline.
Comment: The c.21_24dupGCGG variant, located in coding exon 1 of the POLE gene, results from a duplication of GCGG at nucleotide position 21, causing a translational frameshift with a predicted alternate stop codon (p.R9Afs*16). The predicted stop codon occurs in the 5&rsquo; end of thegene. Premature termination codons in the 5&rsquo; end of a gene have been reported to escape nonsense-mediated mRNAdecay and/or lead to re-initiation (Rivas et al. Science. 2015 May 8;348(6235):666-9; Lindeboom et al. Nat Genet. 2016 Oct;48(10):1112-8; Rhee et al. Sci Rep. 2017 May 10;7(1):1653). Direct evidence for this alteration is unavailable, however premature termination codons are typically deleterious in nature. Although biallelic loss of function of POLE has been associated with autosomal recessive POLE deficiency, haploinsufficiency of POLE has not been established as a mechanism of disease for POLE-related polymerase proofreading-associated polyposis (PPAP) and POLE-related CMMRD-like syndrome. Based on the supporting evidence, this variant is expected to be causative of POLE deficiency when present along with a second pathogenic variant on the other allele; however, its clinical significance for PPAP and POLE-related CMMRD-like syndrome is unclear.

Labcorp Genetics (formerly Invitae), Labcorp
Classification: Pathogenic. Last evaluated: 2024-04-10. Review status: criteria provided, single submitter. Criteria: Invitae Variant Classification Sherloc (09022015). Collection method: clinical testing. Allele origin: germline.
Comment: This sequence change creates a premature translational stop signal (p.Arg9Alafs*16) in the POLE gene. It is expected to result in an absent or disrupted protein product. Loss-of-function variants in POLE are known to be pathogenic (PMID: 23230001, 25948378, 30503519). This variant is not present in population databases (gnomAD no frequency). This variant has not been reported in the literature in individuals affected with POLE-related conditions. For these reasons, this variant has been classified as Pathogenic.

Literature cited by the submitters: PubMed 23230001 (cited by Labcorp Genetics (formerly Invitae), Labcorp); PubMed 25948378 (cited by Labcorp Genetics (formerly Invitae), Labcorp); PubMed 30503519 (cited by Labcorp Genetics (formerly Invitae), Labcorp).